The following is an entry in ClinVar:

ClinVar aggregate classification (germline): Likely pathogenic. Review status: criteria provided, multiple submitters, no conflicts (2 of 4 stars). 3 submissions from 3 submitters: Likely pathogenic (2). 1 of the submissions does not count toward it. Last evaluated 2025-02-05.

Conditions:
Kufor-Rakeb syndrome (KRS). Also called: PARKINSON DISEASE 9, AUTOSOMAL RECESSIVE, JUVENILE-ONSET. Identifiers: Orphanet 306674, Orphanet 314632, MedGen C1847640, MONDO:0011706, OMIM 606693.
Autosomal recessive spastic paraplegia type 78. Identifiers: Orphanet 513436, MedGen C5567893, MONDO:0014975, OMIM 617225.

gnomAD v4.1: 9 of 1,614,020 alleles (0.00056%); highest among the groups gnomAD compares: South Asian, 0.0022%; no homozygotes.

Submissions (3):

Dasa
Classification: Likely pathogenic. Last evaluated: 2025-02-05. Review status: criteria provided, single submitter. Criteria: DASA Assertion Criteria. Collection method: clinical testing. Allele origin: germline.
Comment: NM_022089.4(ATP13A2):c.2218C>T (p.Arg740*) is a nonsense variant in ATP13A2 predicted to introduce a premature termination codon and is predicted to result in an absent or altered protein product. Loss of function is an established disease mechanism for ATP13A2-associated disorders. Also, this variant is rare in population databases. Based on the currently available evidence, this variant is classified as likely pathogenic.

First Genomix Gene Laboratory, Genetic Diagnostics Department
Classification: Likely pathogenic for Kufor-Rakeb syndrome; Autosomal recessive spastic paraplegia type 78. Last evaluated: 2025-01-17. Review status: criteria provided, single submitter. Criteria: ACMG Guidelines, 2015. Collection method: clinical testing. Allele origin: germline. Inheritance: Autosomal recessive inheritance. Affected: no. Observed: 1 variant allele.

Genetics laboratory, Institute of Kidney Diseases & Research Centre Dr. H.L. Trivedi Institute Of Transplantation Sciences
Classification: Likely pathogenic for Kufor-Rakeb syndrome. Review status: no assertion criteria provided. Collection method: clinical testing. Allele origin: germline. Inheritance: Autosomal recessive inheritance. Affected: yes. Observed: 1 variant allele, 1 homozygote. Not counted in ClinVar's aggregate classification.
Comment: Null Variant is known mechanism of disease and has low frequency gnomAD.

NM_022089.4(ATP13A2):c.2218C>T (p.Arg740Ter)

Gene: ATP13A2 (ATPase cation transporting 13A2; minus strand). Cytogenetic location: 1p36.13.
Variant type: single nucleotide variant.
Coding change: c.2218C>T on transcript NM_022089.4 (MANE Select); coding-DNA position 2218, C replaced by T.
Protein change: p.Arg740Ter; replaces arginine 740 with a stop codon.
Molecular consequence: nonsense.
Genome position (GRCh38, 1-based): chr1:16,991,767, G>A on the plus strand (C>T on the coding strand, the complement: ATP13A2 is on the minus strand). VCF-style: chr1-16991767-G-A. GRCh37 (hg19) VCF-style: chr1-17318262-G-A.
Other names: c.2203C>T, p.Arg735Ter (NM_001141973.3, NM_001141974.3); short protein forms R735*, R740*.
Identifiers: ClinVar variation 4279707 (VCV004279707.4).